The following is an entry in ClinVar:

ClinVar aggregate classification (germline): Uncertain significance. Review status: criteria provided, multiple submitters, no conflicts (2 of 4 stars). 2 submissions from 2 submitters: Uncertain significance (2). Last evaluated 2025-12-29.

Allele frequency attached by ClinVar (database versions not stated): gnomAD 0.00005; 1000 Genomes Project 30x 0.00016; TOPMed 0.00018; 1000 Genomes Project 0.00020.
gnomAD v4.1: 23 of 1,613,638 alleles (0.0014%); highest among the groups gnomAD compares: Admixed American, 0.017%; no homozygotes.

Submissions (2):

Labcorp Genetics (formerly Invitae), Labcorp
Classification: Uncertain significance. Last evaluated: 2025-12-29. Review status: criteria provided, single submitter. Criteria: Invitae Variant Classification Sherloc (09022015). Collection method: clinical testing. Allele origin: germline.
Comment: This sequence change replaces arginine, which is basic and polar, with cysteine, which is neutral and slightly polar, at codon 1063 of the CACNA1D protein (p.Arg1063Cys). This variant is present in population databases (rs185924781, gnomAD 0.006%). This variant has not been reported in the literature in individuals affected with CACNA1D-related conditions. ClinVar contains an entry for this variant (Variation ID: 1438421). Invitae Evidence Modeling of protein sequence and biophysical properties (such as structural, functional, and spatial information, amino acid conservation, physicochemical variation, residue mobility, and thermodynamic stability) indicates that this missense variant is not expected to disrupt CACNA1D protein function with a negative predictive value of 80%. In summary, the available evidence is currently insufficient to determine the role of this variant in disease. Therefore, it has been classified as a Variant of Uncertain Significance.

Blueprint Genetics
Classification: Uncertain significance. Last evaluated: 2021-11-02. Review status: criteria provided, single submitter. Criteria: ACMG Guidelines, 2015. Collection method: clinical testing. Allele origin: germline.

NM_001128840.3(CACNA1D):c.3127C>T (p.Arg1043Cys)

Gene: CACNA1D (calcium voltage-gated channel subunit alpha1 D; plus strand). Cytogenetic location: 3p21.1.
Variant type: single nucleotide variant.
Coding change: c.3127C>T on transcript NM_001128840.3 (MANE Select); coding-DNA position 3127, C replaced by T.
Protein change: p.Arg1043Cys; replaces arginine 1043 with cysteine.
Molecular consequence: missense variant.
Genome position (GRCh38, 1-based): chr3:53,745,835, C>T. VCF-style: chr3-53745835-C-T. GRCh37 (hg19) VCF-style: chr3-53779862-C-T.
Other names: c.3187C>T, p.Arg1063Cys (NM_000720.4); c.3127C>T, p.Arg1043Cys (NM_001128839.3); short protein forms R1043C, R1063C.
Identifiers: ClinVar variation 1438421 (VCV001438421.7), dbSNP rs185924781, ClinGen allele CA2454459.
Genomic context (GRCh38, chr3:53,745,835, plus strand): 5'-TAAGGAGAAGCCTGCATTTACTTAACTGCCTGTCTATTTTATACCCAGGGGAAGTTCTAT[C>T]GCTGTACGGATGAAGCCAAAAGTAACCCTGAAGAATGCAGGTGAGCGTCCTGAGAGTGGA-3'
Protein context (NP_001122312.1, residues 1033-1053): GVQLFKGKFY[Arg1043Cys]CTDEAKSNPE